The following is an entry in ClinVar:

ClinVar aggregate classification (germline): Uncertain significance (1 of 4 stars; one submission).

Conditions:
Menkes kinky-hair syndrome (MNK). Also called: Classic Menkes Disease; Copper transport disease; Menkes Disease. Identifiers: Orphanet 565, MedGen C0022716, MONDO:0010651, OMIM 309400.
Cutis laxa, X-linked (OHS). Also called: EDS IX; Occipital horn syndrome. Identifiers: Orphanet 198, MedGen C0268353, MONDO:0010572, OMIM 304150.
X-linked distal spinal muscular atrophy type 3. Also called: ATP7A-Related Distal Motor Neuropathy; SPINAL MUSCULAR ATROPHY, DISTAL, X-LINKED RECESSIVE; NEURONOPATHY, DISTAL HEREDITARY MOTOR, X-LINKED; NEUROPATHY, DISTAL HEREDITARY MOTOR, X-LINKED. Identifiers: Orphanet 139557, MedGen C1845359, MONDO:0010338, OMIM 300489.

Submission:

Labcorp Genetics (formerly Invitae), Labcorp
Classification: Uncertain significance for X-linked distal spinal muscular atrophy type 3; Cutis laxa, X-linked; Menkes kinky-hair syndrome. Last evaluated: 2023-11-07. Review status: criteria provided, single submitter. Criteria: Invitae Variant Classification Sherloc (09022015). Collection method: clinical testing. Allele origin: germline.
Comment: This sequence change replaces aspartic acid, which is acidic and polar, with asparagine, which is neutral and polar, at codon 642 of the ATP7A protein (p.Asp642Asn). This variant is not present in population databases (gnomAD no frequency). This variant has not been reported in the literature in individuals affected with ATP7A-related conditions. Advanced modeling of protein sequence and biophysical properties (such as structural, functional, and spatial information, amino acid conservation, physicochemical variation, residue mobility, and thermodynamic stability) performed at Invitae indicates that this missense variant is not expected to disrupt ATP7A protein function with a negative predictive value of 95%. In summary, the available evidence is currently insufficient to determine the role of this variant in disease. Therefore, it has been classified as a Variant of Uncertain Significance.

NM_000052.7(ATP7A):c.1924G>A (p.Asp642Asn)

Gene: ATP7A (ATPase copper transporting alpha; plus strand). Cytogenetic location: Xq21.1.
Variant type: single nucleotide variant.
Coding change: c.1924G>A on transcript NM_000052.7 (MANE Select); coding-DNA position 1924, G replaced by A.
Protein change: p.Asp642Asn; replaces aspartic acid 642 with asparagine.
Molecular consequence: missense variant.
Genome position (GRCh38, 1-based): chrX:78,011,230, G>A. VCF-style: chrX-78011230-G-A. GRCh37 (hg19) VCF-style: chrX-77266727-G-A.
Other names: c.1924G>A, p.Asp642Asn (NM_001282224.2); short protein forms D642N.
Identifiers: ClinVar variation 2953665 (VCV002953665.3), dbSNP rs2077822731, ClinGen allele CA413598010.